The following is an entry in ClinVar:

ClinVar aggregate classification (germline): Pathogenic (1 of 4 stars; one submission).

Submission:

Labcorp Genetics (formerly Invitae), Labcorp
Classification: Pathogenic. Last evaluated: 2022-11-22. Review status: criteria provided, single submitter. Criteria: Invitae Variant Classification Sherloc (09022015). Collection method: clinical testing. Allele origin: germline.
Comment: For these reasons, this variant has been classified as Pathogenic. Variants that disrupt the consensus splice site are a relatively common cause of aberrant splicing (PMID: 17576681, 9536098). Studies have shown that this variant results in skipping of exon 47, but is expected to preserve the integrity of the reading-frame (PMID: 29162642). ClinVar contains an entry for this variant (Variation ID: 1437246). This variant has been observed in individual(s) with ABCA4-related conditions and/or Stargardt disease (PMID: 25356976; Invitae). In at least one individual the data is consistent with being in trans (on the opposite chromosome) from a pathogenic variant. This variant is not present in population databases (gnomAD no frequency). This sequence change falls in intron 47 of the ABCA4 gene. It does not directly change the encoded amino acid sequence of the ABCA4 protein. RNA analysis indicates that this variant induces altered splicing and likely results in a shortened protein product.

Literature cited by the submitters: PubMed 17576681; PubMed 9536098; PubMed 29162642; PubMed 25356976.

NM_000350.3(ABCA4):c.6479+4A>G

Gene: ABCA4 (ATP binding cassette subfamily A member 4; minus strand). Cytogenetic location: 1p22.1.
Variant type: single nucleotide variant.
Coding change: c.6479+4A>G on transcript NM_000350.3 (MANE Select); 4 bases into the intron after coding-DNA position 6479, A replaced by G.
Molecular consequence: intron variant.
Genome position (GRCh38, 1-based): chr1:94,000,832, T>C on the plus strand (A>G on the coding strand, the complement: ABCA4 is on the minus strand). VCF-style: chr1-94000832-T-C. GRCh37 (hg19) VCF-style: chr1-94466388-T-C.
Identifiers: ClinVar variation 1437246 (VCV001437246.6), dbSNP rs2100993531, ClinGen allele CA645372234.
Genomic context (GRCh38, chr1:94,000,832, plus strand): 5'-GAGAACACAGGATCCAGGTGGATCCACAGAAGGCAACAAGGGGCACGCCCCACCATCTGC[T>C]TACTTGGACTTGAGATGCTGAATGGTGCCCATACATCGAAAGGCGCCCTTTACCATGATG-3'